The following is an entry in ClinVar:

NM_001374259.2(IL12RB2):c.364+8T>C

Gene: IL12RB2 (interleukin 12 receptor subunit beta 2; plus strand). Cytogenetic location: 1p31.3.
Variant type: single nucleotide variant.
Coding change: c.364+8T>C on transcript NM_001374259.2 (MANE Select); 8 bases into the intron after coding-DNA position 364, T replaced by C.
Molecular consequence: intron variant.
Genome position (GRCh38, 1-based): chr1:67,321,897, T>C. VCF-style: chr1-67321897-T-C. GRCh37 (hg19) VCF-style: chr1-67787580-T-C.
Other names: c.364+8T>C (NM_001258214.1, NM_001319233.1, NM_001258216.1 and 2 more transcripts).
Identifiers: ClinVar variation 3048822 (VCV003048822.4), dbSNP rs1656591233, ClinGen allele CA1173090227.

ClinVar aggregate classification (germline): Likely benign. Review status: criteria provided, single submitter (1 of 4 stars). 2 submissions from 2 submitters: Likely benign (1). 1 of the submissions does not count toward it. Last evaluated 2024-06-22.

Conditions:
IL12RB2-related disorder. Also called: IL12RB2-related condition.

Allele frequency attached by ClinVar (database versions not stated): gnomAD exomes below 0.00001; TOPMed below 0.00001.
gnomAD v4.1: 2 of 1,611,970 alleles (0.00012%); highest among the groups gnomAD compares: Non-Finnish European, 0.00017%; no homozygotes.

Submissions (2):

Labcorp Genetics (formerly Invitae), Labcorp
Classification: Likely benign. Last evaluated: 2024-06-22. Review status: criteria provided, single submitter. Criteria: Invitae Variant Classification Sherloc (09022015). Collection method: clinical testing. Allele origin: germline.

PreventionGenetics, part of Exact Sciences
Classification: Likely benign for IL12RB2-related condition. Last evaluated: 2023-09-04. Review status: no assertion criteria provided. Collection method: clinical testing. Allele origin: germline. Not counted in ClinVar's aggregate classification.
Comment: This variant is classified as likely benign based on ACMG/AMP sequence variant interpretation guidelines (Richards et al. 2015 PMID: 25741868, with internal and published modifications).